The following is an entry in ClinVar:

NM_001367873.1(SOX6):c.1235C>T (p.Pro412Leu)

Gene: SOX6 (SRY-box transcription factor 6; minus strand). Cytogenetic location: 11p15.2.
Variant type: single nucleotide variant.
Coding change: c.1235C>T on transcript NM_001367873.1 (MANE Select); coding-DNA position 1235, C replaced by T.
Protein change: p.Pro412Leu; replaces proline 412 with leucine.
Molecular consequence: missense variant.
Genome position (GRCh38, 1-based): chr11:16,055,768, G>A on the plus strand (C>T on the coding strand, the complement: SOX6 is on the minus strand). VCF-style: chr11-16055768-G-A. GRCh37 (hg19) VCF-style: chr11-16077314-G-A.
Other names: c.1112C>T, p.Pro371Leu (NM_001145811.2, NM_001367872.1, NM_017508.3); c.1235C>T, p.Pro412Leu (NM_001145819.2, NM_033326.3); short protein forms P371L, P412L.
Identifiers: ClinVar variation 3900104 (VCV003900104.1).

ClinVar aggregate classification (germline): Uncertain significance (1 of 4 stars; one submission).

Submission:

GeneDx
Classification: Uncertain significance. Last evaluated: 2024-11-22. Review status: criteria provided, single submitter. Criteria: GeneDx Variant Classification Process June 2021. Collection method: clinical testing. Allele origin: germline. Affected: yes.
Comment: Not observed at significant frequency in large population cohorts (gnomAD); In silico analysis supports that this missense variant has a deleterious effect on protein structure/function; Has not been previously published as pathogenic or benign to our knowledge